The following is an entry in ClinVar:

NM_005689.4(ABCB6):c.2196G>A (p.Lys732=)

Gene: ABCB6 (ATP binding cassette subfamily B member 6 (LAN blood group); minus strand). Cytogenetic location: 2q35.
Variant type: single nucleotide variant.
Coding change: c.2196G>A on transcript NM_005689.4 (MANE Select); coding-DNA position 2196, G replaced by A.
Protein change: p.Lys732=; no amino-acid change (lysine 732 retained).
Molecular consequence: synonymous variant.
Genome position (GRCh38, 1-based): chr2:219,210,771, C>T on the plus strand (G>A on the coding strand, the complement: ABCB6 is on the minus strand). VCF-style: chr2-219210771-C-T. GRCh37 (hg19) VCF-style: chr2-220075493-C-T.
Other names: c.2058G>A, p.Lys686= (NM_001349828.2).
Identifiers: ClinVar variation 3045188 (VCV003045188.3), dbSNP rs368745056, ClinGen allele CA2119017.

ClinVar aggregate classification (germline): Likely benign. Review status: criteria provided, single submitter (1 of 4 stars). 2 submissions from 2 submitters: Likely benign (1). 1 of the submissions does not count toward it. Last evaluated 2024-05-28.

Conditions:
ABCB6-related disorder. Also called: ABCB6-related condition.

Allele frequency attached by ClinVar (database versions not stated): ESP Exome Variant Server 0.00008; gnomAD 0.00015; 1000 Genomes Project 30x 0.00016; TOPMed 0.00016; ExAC 0.00018; 1000 Genomes Project 0.00020; gnomAD exomes 0.00034.
gnomAD v4.1: 504 of 1,613,722 alleles (0.031%); highest among the groups gnomAD compares: Non-Finnish European, 0.042%; no homozygotes.

Submissions (2):

Blueprint Genetics
Classification: Likely benign. Last evaluated: 2024-05-28. Review status: criteria provided, single submitter. Criteria: ACMG Guidelines, 2015. Collection method: clinical testing. Allele origin: germline.

PreventionGenetics, part of Exact Sciences
Classification: Likely benign for ABCB6-related condition. Last evaluated: 2019-10-30. Review status: no assertion criteria provided. Collection method: clinical testing. Allele origin: germline. Not counted in ClinVar's aggregate classification.
Comment: This variant is classified as likely benign based on ACMG/AMP sequence variant interpretation guidelines (Richards et al. 2015 PMID: 25741868, with internal and published modifications).